The following is an entry in ClinVar:

ClinVar aggregate classification (germline): Uncertain significance (1 of 4 stars; one submission).

Conditions:
Hereditary spherocytosis type 2. Also called: SPHEROCYTOSIS, TYPE 2, AUTOSOMAL DOMINANT. Identifiers: Orphanet 822, MedGen C2674219, MONDO:0000913, OMIM 616649.

gnomAD v4.1: 215 of 1,602,768 alleles (0.013%); highest among the groups gnomAD compares: South Asian, 0.23%; 4 homozygotes.

Submission:

Neuberg Centre For Genomic Medicine, NCGM
Classification: Uncertain significance for Hereditary spherocytosis type 2. Last evaluated: 2024-02-01. Review status: criteria provided, single submitter. Criteria: ACMG Guidelines, 2015. Collection method: clinical testing. Allele origin: germline. Inheritance: Autosomal dominant inheritance. Affected: yes.
Comment: SpliceAI predicts a benign score (0.01) for this variant. Additional functional evidence will be required to prove the pathogenicity of this variant conclusively. For these reasons, this variant has been classified as Variant of Uncertain Significance (VUS)

NM_001355436.2(SPTB):c.1644+5G>A

Gene: SPTB (spectrin beta, erythrocytic; minus strand). Cytogenetic location: 14q23.3.
Variant type: single nucleotide variant.
Coding change: c.1644+5G>A on transcript NM_001355436.2 (MANE Select); 5 bases into the intron after coding-DNA position 1644, G replaced by A.
Molecular consequence: intron variant.
Genome position (GRCh38, 1-based): chr14:64,795,332, C>T on the plus strand (G>A on the coding strand, the complement: SPTB is on the minus strand). VCF-style: chr14-64795332-C-T. GRCh37 (hg19) VCF-style: chr14-65262050-C-T.
Other names: c.1644+5G>A (NM_001024858.4, NM_001355437.2).
Identifiers: ClinVar variation 3895494 (VCV003895494.1).